The following is an entry in ClinVar:

ClinVar aggregate classification (germline): Uncertain significance (1 of 4 stars; one submission).

Conditions:
Hereditary cancer-predisposing syndrome. Also called: Neoplastic Syndromes, Hereditary; Hereditary neoplastic syndrome; Tumor predisposition; Hereditary Cancer Syndrome. Identifiers: Orphanet 140162, MedGen C0027672, MeSH D009386, MONDO:0015356.

Submission:

Ambry Genetics
Classification: Uncertain significance for Hereditary cancer-predisposing syndrome. Last evaluated: 2022-11-17. Review status: criteria provided, single submitter. Criteria: Ambry Variant Classification Scheme 2023. Collection method: clinical testing. Allele origin: germline.
Comment: The p.P19H variant (also known as c.56C>A), located in coding exon 1 of the DICER1 gene, results from a C to A substitution at nucleotide position 56. The proline at codon 19 is replaced by histidine, an amino acid with similar properties. This amino acid position is conserved. In addition, the in silico prediction for this alteration is inconclusive. Since supporting evidence is limited at this time, the clinical significance of this alteration remains unclear.

NM_177438.3(DICER1):c.56C>A (p.Pro19His)

Gene: DICER1 (dicer 1, ribonuclease III; minus strand). Cytogenetic location: 14q32.13.
Variant type: single nucleotide variant.
Coding change: c.56C>A on transcript NM_177438.3 (MANE Select); coding-DNA position 56, C replaced by A.
Protein change: p.Pro19His; replaces proline 19 with histidine.
Molecular consequence: missense variant. On other transcripts: 5 prime UTR variant (8), non-coding transcript variant (6), intron variant (1).
Genome position (GRCh38, 1-based): chr14:95,133,403, G>T on the plus strand (C>A on the coding strand, the complement: DICER1 is on the minus strand). VCF-style: chr14-95133403-G-T. GRCh37 (hg19) VCF-style: chr14-95599740-G-T.
Other names: c.56C>A, p.Pro19His (NM_001195573.1, NM_001271282.3, NM_001291628.2 and 15 more transcripts); c.-219C>A (NM_001395686.1, NM_001395688.1, NM_001395689.1 and 3 more transcripts); c.-403C>A (NM_001395691.1); c.-1513C>A (NM_001395697.1); c.-130-726C>A (NM_001395687.1); short protein forms P19H.
Identifiers: ClinVar variation 2472467 (VCV002472467.2), dbSNP rs587778227, ClinGen allele CA390890656.